The following is an entry in ClinVar:

NM_003742.4(ABCB11):c.3495G>T (p.Leu1165Phe)

Gene: ABCB11 (ATP binding cassette subfamily B member 11; minus strand). Cytogenetic location: 2q31.1.
Variant type: single nucleotide variant.
Coding change: c.3495G>T on transcript NM_003742.4 (MANE Select); coding-DNA position 3495, G replaced by T.
Protein change: p.Leu1165Phe; replaces leucine 1165 with phenylalanine.
Molecular consequence: missense variant.
Genome position (GRCh38, 1-based): chr2:168,927,279, C>A on the plus strand (G>T on the coding strand, the complement: ABCB11 is on the minus strand). VCF-style: chr2-168927279-C-A. GRCh37 (hg19) VCF-style: chr2-169783789-C-A.
Other names: short protein forms L1165F.
Identifiers: ClinVar variation 3363687 (VCV003363687.1).
Genomic context (GRCh38, chr2:168,927,279, plus strand): 5'-CATGGGAATTTCTTTGGTGTTGTCTCCATACTTGATATTGTCCATTATGCTACAGGCAAA[C>A]AACACTGGTTCCTGGGAAACAATTCCAATGTTTGAGCGGAGGAACTGGACATTTACTTTT-3'
Protein context (NP_003733.2, residues 1155-1175): NIGIVSQEPV[Leu1165Phe]FACSIMDNIK

ClinVar aggregate classification (germline): Uncertain significance (1 of 4 stars; one submission).

Submission:

GeneDx
Classification: Uncertain significance. Last evaluated: 2023-11-02. Review status: criteria provided, single submitter. Criteria: GeneDx Variant Classification Process June 2021. Collection method: clinical testing. Allele origin: germline. Affected: yes.
Comment: Not observed at significant frequency in large population cohorts (gnomAD); In silico analysis supports that this missense variant has a deleterious effect on protein structure/function; Has not been previously published as pathogenic or benign to our knowledge